The following is an entry in ClinVar:

ClinVar aggregate classification (germline): Uncertain significance (1 of 4 stars; one submission).

Conditions:
DiGeorge syndrome. Also called: Catch22; THIRD AND FOURTH PHARYNGEAL POUCH SYNDROME. Identifiers: Orphanet 567, MedGen C0012236, MONDO:0008564, OMIM 188400.

Allele frequency attached by ClinVar (database versions not stated): TOPMed below 0.00001.

Submission:

Labcorp Genetics (formerly Invitae), Labcorp
Classification: Uncertain significance for DiGeorge syndrome. Last evaluated: 2023-04-17. Review status: criteria provided, single submitter. Criteria: Invitae Variant Classification Sherloc (09022015). Collection method: clinical testing. Allele origin: germline.
Comment: This variant has not been reported in the literature in individuals affected with TBX1-related conditions. In summary, the available evidence is currently insufficient to determine the role of this variant in disease. Therefore, it has been classified as a Variant of Uncertain Significance. An algorithm developed to predict the effect of missense changes on protein structure and function (PolyPhen-2) suggests that this variant is likely to be tolerated. This variant is not present in population databases (gnomAD no frequency). This sequence change replaces leucine, which is neutral and non-polar, with methionine, which is neutral and non-polar, at codon 385 of the TBX1 protein (p.Leu385Met).

NM_001379200.1(TBX1):c.1180C>A (p.Leu394Met)

Gene: TBX1 (T-box transcription factor 1; plus strand). Cytogenetic location: 22q11.21.
Variant type: single nucleotide variant.
Coding change: c.1180C>A on transcript NM_001379200.1 (MANE Select); coding-DNA position 1180, C replaced by A.
Protein change: p.Leu394Met; replaces leucine 394 with methionine.
Molecular consequence: missense variant. On other transcripts: intron variant (2).
Genome position (GRCh38, 1-based): chr22:19,766,532, C>A. VCF-style: chr22-19766532-C-A. GRCh37 (hg19) VCF-style: chr22-19754055-C-A.
Other names: c.1153C>A, p.Leu385Met (NM_080647.1); c.1009+530C>A (NM_005992.1, NM_080646.2); short protein forms L394M, L385M.
Identifiers: ClinVar variation 2882252 (VCV002882252.3), dbSNP rs1452444664, ClinGen allele CA410684416.